The following is an entry in ClinVar:

NM_002579.3(PALM):c.461C>T (p.Thr154Met)

Gene: PALM (paralemmin; plus strand). Cytogenetic location: 19p13.3.
Variant type: single nucleotide variant.
Coding change: c.461C>T on transcript NM_002579.3 (MANE Select); coding-DNA position 461, C replaced by T.
Protein change: p.Thr154Met; replaces threonine 154 with methionine.
Molecular consequence: missense variant.
Genome position (GRCh38, 1-based): chr19:736,037, C>T. VCF-style: chr19-736037-C-T. GRCh37 (hg19) VCF-style: chr19-736037-C-T.
Other names: c.461C>T, p.Thr154Met (NM_001040134.2); short protein forms T154M.
Identifiers: ClinVar variation 431725 (VCV000431725.7), dbSNP rs772962279, ClinGen allele CA9022645.

ClinVar aggregate classification (germline): Uncertain significance. Review status: criteria provided, multiple submitters, no conflicts (2 of 4 stars). 2 submissions from 2 submitters: Uncertain significance (2). Last evaluated 2022-07-28.

Conditions:
atypical cerebral palsy.

Allele frequency attached by ClinVar (database versions not stated): gnomAD 0.00004 and 0.00003; ExAC 0.00001; gnomAD exomes 0.00004; TOPMed 0.00007.
gnomAD v4.1: 54 of 1,610,358 alleles (0.0034%); highest among the groups gnomAD compares: Admixed American, 0.02%; no homozygotes.

Submissions (2):

Labcorp Genetics (formerly Invitae), Labcorp
Classification: Uncertain significance. Last evaluated: 2022-07-28. Review status: criteria provided, single submitter. Criteria: Invitae Variant Classification Sherloc (09022015). Collection method: clinical testing. Allele origin: germline.
Comment: This variant is present in population databases (rs772962279, gnomAD 0.02%). In summary, the available evidence is currently insufficient to determine the role of this variant in disease. Therefore, it has been classified as a Variant of Uncertain Significance. Algorithms developed to predict the effect of missense changes on protein structure and function are either unavailable or do not agree on the potential impact of this missense change (SIFT: "Deleterious"; PolyPhen-2: "Probably Damaging"; Align-GVGD: "Class C0"). ClinVar contains an entry for this variant (Variation ID: 431725). This missense change has been observed in individual(s) with PALM-related conditions (PMID: 30542205). This sequence change replaces threonine, which is neutral and polar, with methionine, which is neutral and non-polar, at codon 154 of the PALM protein (p.Thr154Met).

TIDEX, University of British Columbia
Classification: Uncertain significance for atypical cerebral palsy. Review status: criteria provided, single submitter. Criteria: ACMG Guidelines, 2015. Collection method: research. Allele origin: maternal. Inheritance: Autosomal recessive inheritance. Affected: yes.

Literature cited by the submitters: PubMed 30542205 (cited by Labcorp Genetics (formerly Invitae), Labcorp).